The following is an entry in ClinVar:

NM_006565.4(CTCF):c.1052T>A (p.Phe351Tyr)

Gene: CTCF (CCCTC-binding factor; plus strand). Cytogenetic location: 16q22.1.
Variant type: single nucleotide variant.
Coding change: c.1052T>A on transcript NM_006565.4 (MANE Select); coding-DNA position 1052, T replaced by A.
Protein change: p.Phe351Tyr; replaces phenylalanine 351 with tyrosine.
Molecular consequence: missense variant.
Genome position (GRCh38, 1-based): chr16:67,616,844, T>A. VCF-style: chr16-67616844-T-A. GRCh37 (hg19) VCF-style: chr16-67650747-T-A.
Other names: c.68T>A, p.Phe23Tyr (NM_001191022.2); c.1052T>A, p.Phe351Tyr (NM_001363916.2); short protein forms F23Y, F351Y.
Identifiers: ClinVar variation 3372096 (VCV003372096.1).

ClinVar aggregate classification (germline): Uncertain significance (1 of 4 stars; one submission).

Submission:

GeneDx
Classification: Uncertain significance. Last evaluated: 2024-04-11. Review status: criteria provided, single submitter. Criteria: GeneDx Variant Classification Process June 2021. Collection method: clinical testing. Allele origin: germline. Affected: yes.
Comment: Not observed at significant frequency in large population cohorts (gnomAD); In silico analysis indicates that this missense variant does not alter protein structure/function; Has not been previously published as pathogenic or benign to our knowledge